The following is an entry in ClinVar:

ClinVar aggregate classification (germline): Likely benign. Review status: criteria provided, multiple submitters, no conflicts (2 of 4 stars). 2 submissions from 2 submitters: Likely benign (2). Last evaluated 2026-04-01.

Conditions:
Mowat-Wilson syndrome (MOWS). Also called: Classic Mowat-Wilson Syndrome. Identifiers: Orphanet 2152, MedGen C1856113, MONDO:0009341, OMIM 235730.

Allele frequency attached by ClinVar (database versions not stated): ExAC 0.00001; TOPMed 0.00002.
gnomAD v4.1: 5 of 1,613,980 alleles (0.00031%); highest among the groups gnomAD compares: East Asian, 0.0089%; no homozygotes.

Submissions (2):

CeGaT Center for Human Genetics Tuebingen
Classification: Likely benign. Last evaluated: 2026-04-01. Review status: criteria provided, single submitter. Criteria: CeGaT Center For Human Genetics Tuebingen Variant Classification Criteria Version 2. Collection method: clinical testing. Allele origin: germline. Affected: yes. Observed: 1 variant allele.
Comment: ZEB2: BP4, BP7

Labcorp Genetics (formerly Invitae), Labcorp
Classification: Likely benign for Mowat-Wilson syndrome. Last evaluated: 2025-10-26. Review status: criteria provided, single submitter. Criteria: Invitae Variant Classification Sherloc (09022015). Collection method: clinical testing. Allele origin: germline.

NM_014795.4(ZEB2):c.1875C>A (p.Ala625=)

Gene: ZEB2 (zinc finger E-box binding homeobox 2; minus strand). Cytogenetic location: 2q22.3.
Variant type: single nucleotide variant.
Coding change: c.1875C>A on transcript NM_014795.4 (MANE Select); coding-DNA position 1875, C replaced by A.
Protein change: p.Ala625=; no amino-acid change (alanine 625 retained).
Molecular consequence: synonymous variant.
Genome position (GRCh38, 1-based): chr2:144,399,312, G>T on the plus strand (C>A on the coding strand, the complement: ZEB2 is on the minus strand). VCF-style: chr2-144399312-G-T. GRCh37 (hg19) VCF-style: chr2-145156879-G-T.
Other names: c.1803C>A, p.Ala601= (NM_001171653.2).
Identifiers: ClinVar variation 2962989 (VCV002962989.5), dbSNP rs752759296, ClinGen allele CA1898302.
Genomic context (GRCh38, chr2:144,399,312, plus strand): 5'-CATTCCTTTCTCAGAAAGTACAGATGACAAGAGGAGGGCTTTATTATCAACAAAAACTCC[G>T]GCTTTGTTGGGGACTATGTTTTCATGAGGCTGCAGGACCGCCTTGATCTCTTCATTCATC-3'
Protein context (NP_055610.1, residues 615-635): QPHENIVPNK[Ala625=]GVFVDNKALL